The following is an entry in ClinVar:

NM_004006.3(DMD):c.3887C>T (p.Pro1296Leu)

Gene: DMD (dystrophin; minus strand). Cytogenetic location: Xp21.1.
Variant type: single nucleotide variant.
Coding change: c.3887C>T on transcript NM_004006.3 (MANE Select); coding-DNA position 3887, C replaced by T.
Protein change: p.Pro1296Leu; replaces proline 1296 with leucine.
Molecular consequence: missense variant.
Genome position (GRCh38, 1-based): chrX:32,441,214, G>A on the plus strand (C>T on the coding strand, the complement: DMD is on the minus strand). VCF-style: chrX-32441214-G-A. GRCh37 (hg19) VCF-style: chrX-32459331-G-A.
Other names: c.3863C>T, p.Pro1288Leu (NM_000109.4); c.3875C>T, p.Pro1292Leu (NM_004009.3); c.3518C>T, p.Pro1173Leu (NM_004010.3); short protein forms P1288L, P1292L, P1173L, P1296L.
Identifiers: ClinVar variation 2784167 (VCV002784167.3), dbSNP rs2524125057, ClinGen allele CA412670256.

ClinVar aggregate classification (germline): Uncertain significance (1 of 4 stars; one submission).

Conditions:
Duchenne muscular dystrophy (DMD). Also called: MUSCULAR DYSTROPHY, PSEUDOHYPERTROPHIC PROGRESSIVE, DUCHENNE TYPE; Duchenne Muscular Dystrophy (DMD). Identifiers: Orphanet 98896, MedGen C0013264, MONDO:0010679, OMIM 310200.

Submission:

Labcorp Genetics (formerly Invitae), Labcorp
Classification: Uncertain significance for Duchenne muscular dystrophy. Last evaluated: 2024-05-03. Review status: criteria provided, single submitter. Criteria: Invitae Variant Classification Sherloc (09022015). Collection method: clinical testing. Allele origin: germline.
Comment: This sequence change replaces proline, which is neutral and non-polar, with leucine, which is neutral and non-polar, at codon 1296 of the DMD protein (p.Pro1296Leu). This variant is not present in population databases (gnomAD no frequency). This variant has not been reported in the literature in individuals affected with DMD-related conditions. Advanced modeling of protein sequence and biophysical properties (such as structural, functional, and spatial information, amino acid conservation, physicochemical variation, residue mobility, and thermodynamic stability) performed at Invitae indicates that this missense variant is not expected to disrupt DMD protein function with a negative predictive value of 95%. In summary, the available evidence is currently insufficient to determine the role of this variant in disease. Therefore, it has been classified as a Variant of Uncertain Significance.